The following is an entry in ClinVar:

NM_000545.8(HNF1A):c.814C>A (p.Arg272Ser)

Gene: HNF1A (HNF1 homeobox A; plus strand). Cytogenetic location: 12q24.31.
Variant type: single nucleotide variant.
Coding change: c.814C>A on transcript NM_000545.8 (MANE Select); coding-DNA position 814, C replaced by A.
Protein change: p.Arg272Ser; replaces arginine 272 with serine.
Molecular consequence: missense variant.
Genome position (GRCh38, 1-based): chr12:120,994,264, C>A. VCF-style: chr12-120994264-C-A. GRCh37 (hg19) VCF-style: chr12-121432067-C-A.
Other names: NM_001306179.1:c.814C>A; c.814C>A, p.Arg272Ser (NM_001306179.2); short protein forms R272S.
Identifiers: ClinVar variation 1676722 (VCV001676722.3), dbSNP rs1555212014, ClinGen allele CA386966358.

ClinVar aggregate classification (germline): Pathogenic (3 of 4 stars; one submission).

Conditions:
Monogenic diabetes. Identifiers: Orphanet 183625, MedGen C3888631, MONDO:0015967.

Submission:

ClinGen Monogenic Diabetes Variant Curation Expert Panel
Classification: Pathogenic for Monogenic diabetes. Last evaluated: 2022-04-15. Review status: reviewed by expert panel. Criteria: ClinGen Diabetes ACMG Specifications v1 1. Collection method: curation. Allele origin: germline. Inheritance: Autosomal dominant inheritance.
Comment: The c.814C>A variant in the HNF1 homeobox A gene, HNF1A, causes an amino acid change of arginine to serine at codon 272 (p.(Arg272Ser)) of NM_000545.8. This variant resides in an amino acid within the HNF1α DNA binding domain that directly binds DNA, which is defined as critical for the protein’s function by the ClinGen MDEP (PM1) and is absent from gnomAD v2.1.1 (PM2_Supporting). Additionally, this variant is predicted to be deleterious by computational evidence, with a REVEL score of 0.949, which is greater than the MDEP VCEP threshold of 0.70 (PP3). This variant segregated with diabetes, with five informative meioses in two families with MODY (PP1_Strong; internal lab contributors). Two other missense variants, c.814C>T (p.Arg272Cys) and c.815G>A (p.Arg272His), have been interpreted as pathogenic by the ClinGen MDEP, and p.Arg272Ser has a greater Grantham distance than p.Arg272His. (PM5_Strong). This variant was identified in two unrelated individuals with non-autoimmune and non-absolute/near-absolute insulin-deficient diabetes; however, PS4_Moderate cannot be applied because this number is below the ClinGen MDEP threshold (PMIDs: 31165087 and 18003757, internal lab contributors). One of these individuals had a clinical history suggestive of HNF1A-MODY (MODY probability calculator result >50%); however, HNF4A was not tested (internal lab contributors). In summary, c.814C>A meets the criteria to be classified as pathogenic for monogenic diabetes. ACMG/AMP criteria applied, as specified by the ClinGen MDEP (specification version 1.1, approved 9/30/2021): PM1, PM2_Supporting, PP3, PP1_Strong, PM5_Strong.